The following is an entry in ClinVar:

ClinVar aggregate classification (germline): Likely benign. Review status: criteria provided, multiple submitters, no conflicts (2 of 4 stars). 2 submissions from 2 submitters: Likely benign (2). Last evaluated 2025-10-08.

Allele frequency attached by ClinVar (database versions not stated): gnomAD exomes below 0.00001 and 0.00001.
gnomAD v4.1: 1 of 1,550,598 alleles (0.000064%); highest among the groups gnomAD compares: Non-Finnish European, 0.000087%; no homozygotes.

Submissions (2):

Labcorp Genetics (formerly Invitae), Labcorp
Classification: Likely benign. Last evaluated: 2025-10-08. Review status: criteria provided, single submitter. Criteria: Invitae Variant Classification Sherloc (09022015). Collection method: clinical testing. Allele origin: germline.

GeneDx
Classification: Likely benign. Last evaluated: 2017-11-07. Review status: criteria provided, single submitter. Criteria: GeneDx Variant Classification (06012015). Collection method: clinical testing. Allele origin: germline. Affected: yes.
Comment: This variant is considered likely benign or benign based on one or more of the following criteria: it is a conservative change, it occurs at a poorly conserved position in the protein, it is predicted to be benign by multiple in silico algorithms, and/or has population frequency not consistent with disease.

NM_001367624.2(ZNF469):c.8214A>C (p.Ala2738=)

Gene: ZNF469 (zinc finger protein 469; plus strand). Cytogenetic location: 16q24.2.
Variant type: single nucleotide variant.
Coding change: c.8214A>C on transcript NM_001367624.2 (MANE Select); coding-DNA position 8214, A replaced by C.
Protein change: p.Ala2738=; no amino-acid change (alanine 2738 retained).
Molecular consequence: synonymous variant.
Genome position (GRCh38, 1-based): chr16:88,435,684, A>C. VCF-style: chr16-88435684-A-C. GRCh37 (hg19) VCF-style: chr16-88502092-A-C.
Identifiers: ClinVar variation 513117 (VCV000513117.2), dbSNP rs1459194051, ClinGen allele CA497357758.